The following is an entry in ClinVar:

ClinVar aggregate classification (germline): Uncertain significance (1 of 4 stars; one submission).

Conditions:
Cardiovascular phenotype. Identifiers: MedGen CN230736.
Hereditary cancer-predisposing syndrome. Also called: Tumor predisposition; Hereditary neoplastic syndrome; Neoplastic Syndromes, Hereditary; Hereditary Cancer Syndrome. Identifiers: Orphanet 140162, MedGen C0027672, MeSH D009386, MONDO:0015356.

Submission:

Ambry Genetics
Classification: Uncertain significance for Cardiovascular phenotype; Hereditary cancer-predisposing syndrome. Last evaluated: 2019-08-16. Review status: criteria provided, single submitter. Criteria: Ambry Variant Classification Scheme 2023. Collection method: clinical testing. Allele origin: germline.
Comment: The p.Q347L variant (also known as c.1040A>T), located in coding exon 9 of the NF1 gene, results from an A to T substitution at nucleotide position 1040. The glutamine at codon 347 is replaced by leucine, an amino acid with dissimilar properties. This amino acid position is highly conserved in available vertebrate species. In addition, the in silico prediction for this alteration is inconclusive. Since supporting evidence is limited at this time, the clinical significance of this alteration remains unclear.

NM_001042492.3(NF1):c.1040A>T (p.Gln347Leu)

Gene: NF1 (neurofibromin 1; plus strand). Cytogenetic location: 17q11.2.
Variant type: single nucleotide variant.
Coding change: c.1040A>T on transcript NM_001042492.3 (MANE Select); coding-DNA position 1040, A replaced by T.
Protein change: p.Gln347Leu; replaces glutamine 347 with leucine.
Molecular consequence: missense variant.
Genome position (GRCh38, 1-based): chr17:31,200,573, A>T. VCF-style: chr17-31200573-A-T. GRCh37 (hg19) VCF-style: chr17-29527591-A-T.
Other names: c.1040A>T, p.Gln347Leu (NM_000267.4, NM_001128147.3); short protein forms Q347L.
Identifiers: ClinVar variation 818301 (VCV000818301.4), dbSNP rs1597681131, ClinGen allele CA398996440.